The following is an entry in ClinVar:

ClinVar aggregate classification (germline): Uncertain significance. Review status: criteria provided, multiple submitters, no conflicts (2 of 4 stars). 2 submissions from 2 submitters: Uncertain significance (2). Last evaluated 2025-12-23.

Conditions:
Hereditary cancer-predisposing syndrome. Also called: Hereditary neoplastic syndrome; Neoplastic Syndromes, Hereditary; Hereditary Cancer Syndrome; Tumor predisposition. Identifiers: Orphanet 140162, MedGen C0027672, MeSH D009386, MONDO:0015356.
Gastrointestinal stromal tumor. Also called: Gastrointestinal stromal tumor, somatic; Gastrointestinal stroma tumor. Identifiers: Orphanet 44890, MedGen C0238198, MeSH D046152, MONDO:0011719, OMIM 606764, HP:0100723.

Allele frequency attached by ClinVar (database versions not stated): gnomAD 0.00001; TOPMed below 0.00001.
gnomAD v4.1: 1 of 1,614,102 alleles (0.000062%); highest among the groups gnomAD compares: African/African-American, 0.0013%; no homozygotes.

Submissions (2):

Labcorp Genetics (formerly Invitae), Labcorp
Classification: Uncertain significance for Gastrointestinal stromal tumor. Last evaluated: 2025-12-23. Review status: criteria provided, single submitter. Criteria: Invitae Variant Classification Sherloc (09022015). Collection method: clinical testing. Allele origin: germline.
Comment: This sequence change replaces aspartic acid, which is acidic and polar, with tyrosine, which is neutral and polar, at codon 72 of the KIT protein (p.Asp72Tyr). This variant is not present in population databases (gnomAD no frequency). This variant has not been reported in the literature in individuals affected with KIT-related conditions. ClinVar contains an entry for this variant (Variation ID: 944254). An algorithm developed to predict the effect of missense changes on protein structure and function (PolyPhen-2) suggests that this variant is likely to be tolerated. In summary, the available evidence is currently insufficient to determine the role of this variant in disease. Therefore, it has been classified as a Variant of Uncertain Significance.

Ambry Genetics
Classification: Uncertain significance for Hereditary cancer-predisposing syndrome. Last evaluated: 2025-02-25. Review status: criteria provided, single submitter. Criteria: Ambry Variant Classification Scheme 2023. Collection method: clinical testing. Allele origin: germline.
Comment: The p.D72Y variant (also known as c.214G>T), located in coding exon 2 of the KIT gene, results from a G to T substitution at nucleotide position 214. The aspartic acid at codon 72 is replaced by tyrosine, an amino acid with highly dissimilar properties. This amino acid position is conserved. In addition, this alteration is predicted to be tolerated by in silico analysis. Based on the available evidence, the clinical significance of this variant remains unclear.

NM_000222.3(KIT):c.214G>T (p.Asp72Tyr)

Gene: KIT (KIT proto-oncogene, receptor tyrosine kinase; plus strand). Cytogenetic location: 4q12.
Variant type: single nucleotide variant.
Coding change: c.214G>T on transcript NM_000222.3 (MANE Select); coding-DNA position 214, G replaced by T.
Protein change: p.Asp72Tyr; replaces aspartic acid 72 with tyrosine.
Molecular consequence: missense variant.
Genome position (GRCh38, 1-based): chr4:54,695,658, G>T. VCF-style: chr4-54695658-G-T. GRCh37 (hg19) VCF-style: chr4-55561824-G-T.
Other names: c.214G>T, p.Asp72Tyr (NM_001093772.2, NM_001385284.1, NM_001385285.1 and 4 more transcripts); short protein forms D72Y.
Identifiers: ClinVar variation 944254 (VCV000944254.11), dbSNP rs1210962059, ClinGen allele CA356897077.